The following is an entry in ClinVar:

NM_001376.5(DYNC1H1):c.10960C>T (p.Arg3654Trp)

Gene: DYNC1H1 (dynein cytoplasmic 1 heavy chain 1; plus strand). Cytogenetic location: 14q32.31.
Variant type: single nucleotide variant.
Coding change: c.10960C>T on transcript NM_001376.5 (MANE Select); coding-DNA position 10960, C replaced by T.
Protein change: p.Arg3654Trp; replaces arginine 3654 with tryptophan.
Molecular consequence: missense variant.
Genome position (GRCh38, 1-based): chr14:102,038,511, C>T. VCF-style: chr14-102038511-C-T. GRCh37 (hg19) VCF-style: chr14-102504848-C-T.
Other names: short protein forms R3654W.
Identifiers: ClinVar variation 1428190 (VCV001428190.8), dbSNP rs2048604040, ClinGen allele CA391031464.
Genomic context (GRCh38, chr14:102,038,511, plus strand): 5'-GGAATGCAGGATGTGGAAAGCTACGATCCAGTTTTGAACCCGGTGCTGAACCGTGAAGTG[C>T]GGCGAACAGGGGGGAGAGTGCTGATCACTCTCGGGGACCAGGACATAGACCTGTCGCCAT-3'
Protein context (NP_001367.2, residues 3644-3664): VLNPVLNREV[Arg3654Trp]RTGGRVLITL

ClinVar aggregate classification (germline): Uncertain significance (1 of 4 stars; one submission).

Conditions:
Charcot-Marie-Tooth disease axonal type 2O. Also called: CHARCOT-MARIE-TOOTH NEUROPATHY, AXONAL, TYPE 2O; CHARCOT-MARIE-TOOTH DISEASE, AXONAL, AUTOSOMAL DOMINANT, TYPE 2O; Charcot-Marie-Tooth disease, axonal, type 20; Charcot-Marie-Tooth Neuropathy Type 2O. Identifiers: Orphanet 284232, MedGen C3280220, MONDO:0013644, OMIM 614228.

Allele frequency attached by ClinVar (database versions not stated): gnomAD exomes below 0.00001; TOPMed below 0.00001; gnomAD 0.00001.
gnomAD v4.1: 4 of 1,613,926 alleles (0.00025%); highest among the groups gnomAD compares: Non-Finnish European, 0.00034%; no homozygotes.

Submission:

Labcorp Genetics (formerly Invitae), Labcorp
Classification: Uncertain significance for Charcot-Marie-Tooth disease axonal type 2O. Last evaluated: 2021-06-09. Review status: criteria provided, single submitter. Criteria: Invitae Variant Classification Sherloc (09022015). Collection method: clinical testing. Allele origin: germline.
Comment: In summary, the available evidence is currently insufficient to determine the role of this variant in disease. Therefore, it has been classified as a Variant of Uncertain Significance. Advanced modeling of protein sequence and biophysical properties (such as structural, functional, and spatial information, amino acid conservation, physicochemical variation, residue mobility, and thermodynamic stability) performed at Invitae indicates that this missense variant is not expected to disrupt DYNC1H1 protein function. This variant has not been reported in the literature in individuals with DYNC1H1-related conditions. This variant is not present in population databases (ExAC no frequency). This sequence change replaces arginine with tryptophan at codon 3654 of the DYNC1H1 protein (p.Arg3654Trp). The arginine residue is highly conserved and there is a moderate physicochemical difference between arginine and tryptophan.